The following is an entry in ClinVar:

NM_006565.4(CTCF):c.148G>A (p.Val50Met)

Gene: CTCF (CCCTC-binding factor; plus strand). Cytogenetic location: 16q22.1.
Variant type: single nucleotide variant.
Coding change: c.148G>A on transcript NM_006565.4 (MANE Select); coding-DNA position 148, G replaced by A.
Protein change: p.Val50Met; replaces valine 50 with methionine.
Molecular consequence: missense variant. On other transcripts: intron variant (1).
Genome position (GRCh38, 1-based): chr16:67,610,980, G>A. VCF-style: chr16-67610980-G-A. GRCh37 (hg19) VCF-style: chr16-67644883-G-A.
Other names: c.148G>A, p.Val50Met (NM_001363916.2); c.-32-5765G>A (NM_001191022.2); short protein forms V50M.
Identifiers: ClinVar variation 1711410 (VCV001711410.30), dbSNP rs137861966, ClinGen allele CA8112475.

ClinVar aggregate classification (germline): Uncertain significance. Review status: criteria provided, single submitter (1 of 4 stars). 2 submissions from 2 submitters: Uncertain significance (1). 1 of the submissions does not count toward it. Last evaluated 2022-08-01.

Conditions:
CTCF-related disorder. Also called: CTCF-related condition. Identifiers: MedGen CN381101.

Allele frequency attached by ClinVar (database versions not stated): ExAC 0.00002; gnomAD 0.00003; TOPMed 0.00003; gnomAD exomes 0.00004; ESP Exome Variant Server 0.00008.
gnomAD v4.1: 62 of 1,601,090 alleles (0.0039%); highest among the groups gnomAD compares: Non-Finnish European, 0.0051%; no homozygotes.

Submissions (2):

CeGaT Center for Human Genetics Tuebingen
Classification: Uncertain significance. Last evaluated: 2022-08-01. Review status: criteria provided, single submitter. Criteria: CeGaT Center For Human Genetics Tuebingen Variant Classification Criteria Version 2. Collection method: clinical testing. Allele origin: germline. Affected: yes. Observed: 1 variant allele.

PreventionGenetics, part of Exact Sciences
Classification: Likely benign for CTCF-related condition. Last evaluated: 2024-05-30. Review status: no assertion criteria provided. Collection method: clinical testing. Allele origin: germline. Not counted in ClinVar's aggregate classification.
Comment: This variant is classified as likely benign based on ACMG/AMP sequence variant interpretation guidelines (Richards et al. 2015 PMID: 25741868, with internal and published modifications).